The following is an entry in ClinVar:

NM_007294.4(BRCA1):c.1628del (p.Gly543fs)

Gene: BRCA1 (BRCA1 DNA repair associated; minus strand). Cytogenetic location: 17q21.31.
Variant type: Deletion.
Coding change: c.1628del on transcript NM_007294.4 (MANE Select); coding-DNA position 1628, one base deleted (G; older notation c.1628delG).
Protein change: p.Gly543fs; shifts the reading frame from glycine 543.
Molecular consequence: frameshift variant. On other transcripts: intron variant (137).
Genome position (GRCh38, 1-based): chr17:43,093,903, C deleted on the plus strand (G on the coding strand, the reverse complement: BRCA1 is on the minus strand); the first of 2 consecutive C bases (chr17:43,093,903-43,093,904); deleting either gives the same sequence. VCF-style (leftmost placement, unchanged base first): chr17-43093902-AC-A. GRCh37 (hg19) VCF-style: chr17-41245919-AC-A.
Other names: 1747delG; c.1415del, p.Gly472fs (NM_001407571.1, NM_001407853.1, NM_001407894.1 and 9 more transcripts); c.1628del, p.Gly543fs (NM_001407581.1, NM_001407582.1, NM_001407583.1 and 30 more transcripts); c.1625del, p.Gly542fs (NM_001407587.1, NM_001407590.1, NM_001407591.1 and 22 more transcripts); c.1619del, p.Gly540fs (NM_001407646.1, NM_001407647.1); c.1505del, p.Gly502fs (NM_001407648.1, NM_001407664.1, NM_001407665.1 and 19 more transcripts); c.1502del, p.Gly501fs (NM_001407649.1, NM_001407670.1, NM_001407671.1 and 11 more transcripts); c.1550del, p.Gly517fs (NM_001407653.1, NM_001407654.1, NM_001407655.1 and 4 more transcripts); and 42 more; short protein forms G496fs, G543fs, G472fs, G475fs, G495fs, G247fs, G415fs, G432fs.
Identifiers: ClinVar variation 91560 (VCV000091560.3), dbSNP rs398122640, ClinGen allele CA001080.

ClinVar aggregate classification (germline): Pathogenic. Review status: reviewed by expert panel (3 of 4 stars). 2 submissions from 2 submitters: Pathogenic (1). 1 of the submissions does not count toward it. Last evaluated 2016-09-08.

Conditions:
Breast-ovarian cancer, familial, susceptibility to, 1 (BROVCA1). Also called: BRCA1 Hereditary Breast and Ovarian Cancer; OVARIAN CANCER, SUSCEPTIBILITY TO. Identifiers: Orphanet 145, MedGen C2676676, MONDO:0011450, OMIM 604370. Disease mechanism: loss of function.

Submissions (2):

Evidence-based Network for the Interpretation of Germline Mutant Alleles (ENIGMA)
Classification: Pathogenic for Breast-ovarian cancer, familial, susceptibility to, 1. Last evaluated: 2016-09-08. Review status: reviewed by expert panel. Criteria: ENIGMA BRCA1/2 Classification Criteria (2015). Collection method: curation. Allele origin: germline.
Comment: Variant allele predicted to encode a truncated non-functional protein.

Sharing Clinical Reports Project (SCRP)
Classification: Pathogenic for Breast-ovarian cancer, familial 1. Last evaluated: 2010-07-15. Review status: no assertion criteria provided. Collection method: clinical testing. Allele origin: germline. Not counted in ClinVar's aggregate classification.